The following is an entry in ClinVar:

ClinVar aggregate classification (germline): Uncertain significance (1 of 4 stars; one submission).

Allele frequency attached by ClinVar (database versions not stated): TOPMed below 0.00001; gnomAD 0.00001.
gnomAD v4.1: 1 of 1,613,762 alleles (0.000062%); highest among the groups gnomAD compares: Admixed American, 0.0017%; no homozygotes.

Submission:

Labcorp Genetics (formerly Invitae), Labcorp
Classification: Uncertain significance. Last evaluated: 2025-02-19. Review status: criteria provided, single submitter. Criteria: Invitae Variant Classification Sherloc (09022015). Collection method: clinical testing. Allele origin: germline.
Comment: This sequence change replaces phenylalanine, which is neutral and non-polar, with leucine, which is neutral and non-polar, at codon 444 of the VIPAS39 protein (p.Phe444Leu). This variant is not present in population databases (gnomAD no frequency). This variant has not been reported in the literature in individuals affected with VIPAS39-related conditions. ClinVar contains an entry for this variant (Variation ID: 1905453). Invitae Evidence Modeling of protein sequence and biophysical properties (such as structural, functional, and spatial information, amino acid conservation, physicochemical variation, residue mobility, and thermodynamic stability) indicates that this missense variant is not expected to disrupt VIPAS39 protein function with a negative predictive value of 80%. In summary, the available evidence is currently insufficient to determine the role of this variant in disease. Therefore, it has been classified as a Variant of Uncertain Significance.

NM_001193315.2(VIPAS39):c.1332C>A (p.Phe444Leu)

Gene: VIPAS39 (VPS33B interacting protein, apical-basolateral polarity regulator, spe-39 homolog; minus strand). Cytogenetic location: 14q24.3.
Variant type: single nucleotide variant.
Coding change: c.1332C>A on transcript NM_001193315.2 (MANE Select); coding-DNA position 1332, C replaced by A.
Protein change: p.Phe444Leu; replaces phenylalanine 444 with leucine.
Molecular consequence: missense variant. On other transcripts: non-coding transcript variant (1).
Genome position (GRCh38, 1-based): chr14:77,429,030, G>T on the plus strand (C>A on the coding strand, the complement: VIPAS39 is on the minus strand). VCF-style: chr14-77429030-G-T. GRCh37 (hg19) VCF-style: chr14-77895373-G-T.
Other names: c.1332C>A, p.Phe444Leu (NM_001193314.2, NM_001193317.2, NM_001400326.1 and 2 more transcripts); c.1185C>A, p.Phe395Leu (NM_001193316.2, NM_001400324.1, NM_001400325.1); c.1299C>A, p.Phe433Leu (NM_001400327.1); c.1245C>A, p.Phe415Leu (NM_001400330.1, NM_001400331.1, NM_001400332.1); c.1239C>A, p.Phe413Leu (NM_001400333.1, NM_001400334.1); c.1197C>A, p.Phe399Leu (NM_001400336.1); c.1092C>A, p.Phe364Leu (NM_001400337.1); c.1053C>A, p.Phe351Leu (NM_001400338.1); and 1 more; short protein forms F349L, F395L, F444L, F351L, F399L, F415L, F433L, F364L.
Identifiers: ClinVar variation 1905453 (VCV001905453.4), dbSNP rs1278402419, ClinGen allele CA390696296.